The following is an entry in ClinVar:

ClinVar aggregate classification (germline): Uncertain significance (1 of 4 stars; one submission).

Conditions:
Hereditary cancer-predisposing syndrome. Also called: Hereditary Cancer Syndrome; Hereditary neoplastic syndrome; Tumor predisposition; Neoplastic Syndromes, Hereditary. Identifiers: Orphanet 140162, MedGen C0027672, MeSH D009386, MONDO:0015356.
Cardiovascular phenotype. Identifiers: MedGen CN230736.

Submission:

Ambry Genetics
Classification: Uncertain significance for Cardiovascular phenotype; Hereditary cancer-predisposing syndrome. Last evaluated: 2022-09-30. Review status: criteria provided, single submitter. Criteria: Ambry Variant Classification Scheme 2023. Collection method: clinical testing. Allele origin: germline.
Comment: The p.N839K variant (also known as c.2517C>G), located in coding exon 21 of the NF1 gene, results from a C to G substitution at nucleotide position 2517. The asparagine at codon 839 is replaced by lysine, an amino acid with similar properties. This amino acid position is conserved. In addition, the in silico prediction for this alteration is inconclusive. Since supporting evidence is limited at this time, the clinical significance of this alteration remains unclear.

NM_001042492.3(NF1):c.2517C>G (p.Asn839Lys)

Gene: NF1 (neurofibromin 1; plus strand). Cytogenetic location: 17q11.2.
Variant type: single nucleotide variant.
Coding change: c.2517C>G on transcript NM_001042492.3 (MANE Select); coding-DNA position 2517, C replaced by G.
Protein change: p.Asn839Lys; replaces asparagine 839 with lysine.
Molecular consequence: missense variant.
Genome position (GRCh38, 1-based): chr17:31,229,132, C>G. VCF-style: chr17-31229132-C-G. GRCh37 (hg19) VCF-style: chr17-29556150-C-G.
Other names: c.2517C>G, p.Asn839Lys (NM_000267.4); short protein forms N839K.
Identifiers: ClinVar variation 1792474 (VCV001792474.2), dbSNP rs876659543, ClinGen allele CA398984159.